The following is an entry in ClinVar:

ClinVar aggregate classification (germline): Benign. Review status: criteria provided, multiple submitters, no conflicts (2 of 4 stars). 3 submissions from 3 submitters: Benign (3). Last evaluated 2024-11-03.

Conditions:
Blood group, I system (Ii). Identifiers: MedGen C0020717, OMIM 110800.
Cataract 13 with adult I phenotype. Identifiers: Orphanet 91492, MedGen C3805373, MONDO:0007289, OMIM 116700.

Allele frequency attached by ClinVar (database versions not stated): gnomAD exomes 0.00175; ExAC 0.00189; gnomAD 0.00592 and 0.00632; TOPMed 0.00671; ESP Exome Variant Server 0.00692; 1000 Genomes Project 0.00859; 1000 Genomes Project 30x 0.00906.
gnomAD v4.1: 1,860 of 1,613,984 alleles (0.12%); highest among the groups gnomAD compares: African/African-American, 2.1%; 13 homozygotes.

Submissions (3):

Labcorp Genetics (formerly Invitae), Labcorp
Classification: Benign for Cataract 13 with adult I phenotype. Last evaluated: 2024-11-03. Review status: criteria provided, single submitter. Criteria: Invitae Variant Classification Sherloc (09022015). Collection method: clinical testing. Allele origin: germline.

GeneDx
Classification: Benign. Last evaluated: 2020-12-30. Review status: criteria provided, single submitter. Criteria: GeneDx Variant Classification Process June 2021. Collection method: clinical testing. Allele origin: germline. Affected: yes.

Illumina Laboratory Services, Illumina
Classification: Benign for Blood group, I system. Last evaluated: 2018-01-12. Review status: criteria provided, single submitter. Criteria: ICSL Variant Classification Criteria 13 December 2019. Collection method: clinical testing. Allele origin: germline.
Comment: This variant was observed in the ICSL laboratory as part of a predisposition screen in an ostensibly healthy population. It had not been previously curated by ICSL or reported in the Human Gene Mutation Database (HGMD: prior to June 1st, 2018), and was therefore a candidate for classification through an automated scoring system. Utilizing variant allele frequency, disease prevalence and penetrance estimates, and inheritance mode, an automated score was calculated to assess if this variant is too frequent to cause the disease. Based on the score and internal cut-off values, a variant classified as benign is not then subjected to further curation. The score for this variant resulted in a classification of benign for this disease.

NM_001491.3(GCNT2):c.8T>C (p.Leu3Ser)

Gene: GCNT2 (glucosaminyl (N-acetyl) transferase 2 (I blood group); plus strand). Cytogenetic location: 6p24.3.
Variant type: single nucleotide variant.
Coding change: c.8T>C on transcript NM_001491.3 (MANE Plus Clinical); coding-DNA position 8, T replaced by C.
Protein change: p.Leu3Ser; replaces leucine 3 with serine.
Molecular consequence: missense variant. On other transcripts: intron variant (2).
Genome position (GRCh38, 1-based): chr6:10,556,431, T>C. VCF-style: chr6-10556431-T-C. GRCh37 (hg19) VCF-style: chr6-10556664-T-C.
Other names: c.925+26595T>C (NM_145649.5, NM_001374747.1); short protein forms L3S.
Identifiers: ClinVar variation 354699 (VCV000354699.10), dbSNP rs75648279, ClinGen allele CA3631904.